The following is an entry in ClinVar:

ClinVar aggregate classification (germline): Uncertain significance (1 of 4 stars; one submission).

Allele frequency attached by ClinVar (database versions not stated): gnomAD exomes below 0.00001; TOPMed below 0.00001; gnomAD 0.00001; 1000 Genomes Project 30x 0.00016.
gnomAD v4.1: 4 of 1,050,816 alleles (0.00038%); highest among the groups gnomAD compares: Admixed American, 0.0054%; no homozygotes.

Submission:

Labcorp Genetics (formerly Invitae), Labcorp
Classification: Uncertain significance. Last evaluated: 2021-12-02. Review status: criteria provided, single submitter. Criteria: Invitae Variant Classification Sherloc (09022015). Collection method: clinical testing. Allele origin: germline.
Comment: In summary, the available evidence is currently insufficient to determine the role of this variant in disease. Therefore, it has been classified as a Variant of Uncertain Significance. Algorithms developed to predict the effect of missense changes on protein structure and function output the following: SIFT: "Tolerated"; PolyPhen-2: "Benign"; Align-GVGD: "Class C0". The serine amino acid residue is found in multiple mammalian species, which suggests that this missense change does not adversely affect protein function. This variant has not been reported in the literature in individuals affected with HTRA1-related conditions. This variant is not present in population databases (gnomAD no frequency). This sequence change replaces proline, which is neutral and non-polar, with serine, which is neutral and polar, at codon 43 of the HTRA1 protein (p.Pro43Ser).

NM_002775.5(HTRA1):c.127C>T (p.Pro43Ser)

Gene: HTRA1 (HtrA serine peptidase 1; plus strand). Cytogenetic location: 10q26.13.
Variant type: single nucleotide variant.
Coding change: c.127C>T on transcript NM_002775.5 (MANE Select); coding-DNA position 127, C replaced by T.
Protein change: p.Pro43Ser; replaces proline 43 with serine.
Molecular consequence: missense variant.
Genome position (GRCh38, 1-based): chr10:122,461,779, C>T. VCF-style: chr10-122461779-C-T. GRCh37 (hg19) VCF-style: chr10-124221295-C-T.
Other names: short protein forms P43S.
Identifiers: ClinVar variation 1517131 (VCV001517131.8), dbSNP rs1435531631, ClinGen allele CA378605577.